The following is an entry in ClinVar:

ClinVar aggregate classification (germline): Pathogenic (1 of 4 stars; one submission).

Conditions:
PMM2-congenital disorder of glycosylation. Also called: PHOSPHOMANNOMUTASE 2 DEFICIENCY; CARBOHYDRATE-DEFICIENT GLYCOPROTEIN SYNDROME, TYPE Ia; CDG Ia; JAEKEN SYNDROME; Congenital disorder of glycosylation, type Ia; PMM2-CDG. Identifiers: Orphanet 79318, MedGen C0349653, MONDO:0008907, OMIM 212065.

Submission:

Labcorp Genetics (formerly Invitae), Labcorp
Classification: Pathogenic for PMM2-congenital disorder of glycosylation. Last evaluated: 2020-10-27. Review status: criteria provided, single submitter. Criteria: Invitae Variant Classification Sherloc (09022015). Collection method: clinical testing. Allele origin: germline.
Comment: For these reasons, this variant has been classified as Pathogenic. This variant has not been reported in the literature in individuals with PMM2-related conditions. This variant is not present in population databases (ExAC no frequency). This sequence change creates a premature translational stop signal (p.Thr25Asnfs*6) in the PMM2 gene. It is expected to result in an absent or disrupted protein product. Loss-of-function variants in PMM2 are known to be pathogenic (PMID: 19862844).

Literature cited by the submitters: PubMed 19862844.

NM_000303.3(PMM2):c.73dup (p.Thr25fs)

Gene: PMM2 (phosphomannomutase 2; plus strand). Cytogenetic location: 16p13.2.
Variant type: Duplication.
Coding change: c.73dup on transcript NM_000303.3 (MANE Select); coding-DNA position 73, one base duplicated (A; older notation c.73dupA).
Protein change: p.Thr25fs; shifts the reading frame from threonine 25.
Molecular consequence: frameshift variant.
Genome position (GRCh38, 1-based): chr16:8,801,805, A duplicated. VCF-style (leftmost placement, unchanged base first): chr16-8801804-T-TA. GRCh37 (hg19) VCF-style: chr16-8895661-T-TA.
Other names: short protein forms T25fs.
Identifiers: ClinVar variation 1072807 (VCV001072807.7), dbSNP rs2141016934, ClinGen allele CA2499223730.